The following is an entry in ClinVar:

NM_005359.6(SMAD4):c.1123G>A (p.Ala375Thr)

Gene: SMAD4 (SMAD family member 4; plus strand). Cytogenetic location: 18q21.2.
Variant type: single nucleotide variant.
Coding change: c.1123G>A on transcript NM_005359.6 (MANE Select); coding-DNA position 1123, G replaced by A.
Protein change: p.Ala375Thr; replaces alanine 375 with threonine.
Molecular consequence: missense variant. On other transcripts: non-coding transcript variant (2).
Genome position (GRCh38, 1-based): chr18:51,065,590, G>A. VCF-style: chr18-51065590-G-A. GRCh37 (hg19) VCF-style: chr18-48591960-G-A.
Other names: c.1123G>A, p.Ala375Thr (NM_001407041.1, NM_001407042.1, NM_001407043.1); short protein forms A375T.
Identifiers: ClinVar variation 2736727 (VCV002736727.7), dbSNP rs2144447875, ClinGen allele CA402464554.
Genomic context (GRCh38, chr18:51,065,590, plus strand): 5'-GACCCTTCTGGAGGAGATCGCTTTTGTTTGGGTCAACTCTCCAATGTCCACAGGACAGAA[G>A]CCATTGAGAGAGCAAGGTATTGATTGTATAGTCAGATAGTTACTTTAAAAAATTGAGCAT-3'
Protein context (NP_005350.1, residues 365-385): GQLSNVHRTE[Ala375Thr]IERARLHIGK

ClinVar aggregate classification (germline): Uncertain significance. Review status: criteria provided, multiple submitters, no conflicts (2 of 4 stars). 2 submissions from 2 submitters: Uncertain significance (2). Last evaluated 2026-02-01.

Conditions:
Juvenile polyposis syndrome (JPS). Identifiers: Orphanet 2929, MedGen C0345893, MONDO:0017380, OMIM 174900.

Submissions (2):

CeGaT Center for Human Genetics Tuebingen
Classification: Uncertain significance. Last evaluated: 2026-02-01. Review status: criteria provided, single submitter. Criteria: CeGaT Center For Human Genetics Tuebingen Variant Classification Criteria Version 2. Collection method: clinical testing. Allele origin: germline. Affected: yes. Observed: 1 variant allele.
Comment: SMAD4: PM2, PM1:Supporting, PP2, PP3

Labcorp Genetics (formerly Invitae), Labcorp
Classification: Uncertain significance for Juvenile polyposis syndrome. Last evaluated: 2022-12-22. Review status: criteria provided, single submitter. Criteria: Invitae Variant Classification Sherloc (09022015). Collection method: clinical testing. Allele origin: germline.
Comment: In summary, the available evidence is currently insufficient to determine the role of this variant in disease. Therefore, it has been classified as a Variant of Uncertain Significance. Algorithms developed to predict the effect of missense changes on protein structure and function (SIFT, PolyPhen-2, Align-GVGD) all suggest that this variant is likely to be tolerated. This missense change has been observed in individual(s) with colorectal cancer (PMID: 28135145). This variant is not present in population databases (gnomAD no frequency). This sequence change replaces alanine, which is neutral and non-polar, with threonine, which is neutral and polar, at codon 375 of the SMAD4 protein (p.Ala375Thr).

Literature cited by the submitters: PubMed 28135145 (cited by Labcorp Genetics (formerly Invitae), Labcorp).